The following is an entry in ClinVar:

NM_014026.6(DCPS):c.636+1G>T

Gene: DCPS (decapping enzyme, scavenger; plus strand). Cytogenetic location: 11q24.2.
Variant type: single nucleotide variant.
Coding change: c.636+1G>T on transcript NM_014026.6 (MANE Select); the canonical splice donor site of the intron after coding-DNA position 636, G replaced by T.
Molecular consequence: splice donor variant.
Genome position (GRCh38, 1-based): chr11:126,338,400, G>T. VCF-style: chr11-126338400-G-T. GRCh37 (hg19) VCF-style: chr11-126208295-G-T.
Other names: NC_000011.9:g.126208295G>T; c.657+1G>T (NM_001350236.2).
Identifiers: ClinVar variation 4369284 (VCV004369284.2).

ClinVar aggregate classification (germline): Uncertain significance (1 of 4 stars; one submission).

gnomAD v4.1: 26 of 1,614,094 alleles (0.0016%); highest among the groups gnomAD compares: Non-Finnish European, 0.0022%; no homozygotes.

Submissions (2):

GeneDx
Classification: Uncertain significance. Last evaluated: 2026-03-17. Review status: criteria provided, single submitter. Criteria: GeneDx Variant Classification Process June 2021. Collection method: clinical testing. Allele origin: germline.
Comment: Canonical splice site variant with an unclear effect on protein function; Not observed at significant frequency in large population cohorts (gnomAD); Has not been previously published as pathogenic or benign to our knowledge

Dr. Peter K. Rogan Lab, Western University
No classification provided (evidence only). Condition: Lung cancer. Review status: no classification provided. Collection method: in vitro. Allele origin: not applicable. Functional consequence: retained intron. Not counted in ClinVar's aggregate classification.